The following is an entry in ClinVar:

NM_001291415.2(KDM6A):c.2637A>G (p.Thr879=)

Gene: KDM6A (lysine demethylase 6A; plus strand). Cytogenetic location: Xp11.3.
Variant type: single nucleotide variant.
Coding change: c.2637A>G on transcript NM_001291415.2 (MANE Select); coding-DNA position 2637, A replaced by G.
Protein change: p.Thr879=; no amino-acid change (threonine 879 retained).
Molecular consequence: synonymous variant. On other transcripts: non-coding transcript variant (1).
Genome position (GRCh38, 1-based): chrX:45,070,136, A>G. VCF-style: chrX-45070136-A-G. GRCh37 (hg19) VCF-style: chrX-44929381-A-G.
Other names: c.2502A>G, p.Thr834= (NM_001291416.2); c.2346A>G, p.Thr782= (NM_001291417.2); c.2244A>G, p.Thr748= (NM_001291418.2); c.1593A>G, p.Thr531= (NM_001291421.2); c.2481A>G, p.Thr827= (NM_021140.4); c.2481A>G (NM_021140.3).
Identifiers: ClinVar variation 1287593 (VCV001287593.8), dbSNP rs774419812, ClinGen allele CA10392526.

ClinVar aggregate classification (germline): Benign/Likely benign. Review status: criteria provided, multiple submitters, no conflicts (2 of 4 stars). 4 submissions from 4 submitters: Benign (2); Likely benign (2). Last evaluated 2025-09-06.

Conditions:
KDM6A-related disorder. Also called: KDM6A-related condition.
Kabuki syndrome 2 (KABUK2). Also called: KDM6A-Related Kabuki Syndrome. Identifiers: Orphanet 2322, MedGen C3275495, MONDO:0010465, OMIM 300867.

Allele frequency attached by ClinVar (database versions not stated): gnomAD 0.00003 and 0.00006; gnomAD exomes 0.00003 and 0.00014; TOPMed 0.00004; ExAC 0.00008; 1000 Genomes Project 30x 0.00083; 1000 Genomes Project 0.00106.
gnomAD v4.1: 45 of 1,209,957 alleles (0.0037%); highest among the groups gnomAD compares: East Asian, 0.11%; no homozygotes.

Submissions (4):

Labcorp Genetics (formerly Invitae), Labcorp
Classification: Benign for Kabuki syndrome 2. Last evaluated: 2025-09-06. Review status: criteria provided, single submitter. Criteria: Invitae Variant Classification Sherloc (09022015). Collection method: clinical testing. Allele origin: germline.

PreventionGenetics, part of Exact Sciences
Classification: Likely benign for KDM6A-related condition. Last evaluated: 2024-10-31. Review status: criteria provided, single submitter. Criteria: ACMG Guidelines, 2015. Collection method: clinical testing. Allele origin: germline.
Comment: This variant is classified as likely benign based on ACMG/AMP sequence variant interpretation guidelines (Richards et al. 2015 PMID: 25741868, with internal and published modifications).

Blueprint Genetics
Classification: Likely benign. Last evaluated: 2024-05-30. Review status: criteria provided, single submitter. Criteria: ACMG Guidelines, 2015. Collection method: clinical testing. Allele origin: germline.

GeneDx
Classification: Benign. Last evaluated: 2020-01-11. Review status: criteria provided, single submitter. Criteria: GeneDx Variant Classification Process June 2021. Collection method: clinical testing. Allele origin: germline. Affected: yes.